The following is an entry in ClinVar:

ClinVar aggregate classification (germline): Uncertain significance (1 of 4 stars; one submission).

Conditions:
Fanconi anemia (FA). Also called: Fanconi's anemia. Identifiers: Orphanet 84, MedGen C0015625, MeSH D005199, MONDO:0019391.

Submission:

Labcorp Genetics (formerly Invitae), Labcorp
Classification: Uncertain significance for Fanconi anemia. Last evaluated: 2024-09-18. Review status: criteria provided, single submitter. Criteria: Invitae Variant Classification Sherloc (09022015). Collection method: clinical testing. Allele origin: germline.
Comment: This sequence change replaces arginine, which is basic and polar, with threonine, which is neutral and polar, at codon 971 of the FANCM protein (p.Arg971Thr). This variant is not present in population databases (gnomAD no frequency). This variant has not been reported in the literature in individuals affected with FANCM-related conditions. An algorithm developed to predict the effect of missense changes on protein structure and function (PolyPhen-2) suggests that this variant is likely to be tolerated. In summary, the available evidence is currently insufficient to determine the role of this variant in disease. Therefore, it has been classified as a Variant of Uncertain Significance.

NM_020937.4(FANCM):c.2912G>C (p.Arg971Thr)

Gene: FANCM (FA complementation group M; plus strand). Cytogenetic location: 14q21.2.
Variant type: single nucleotide variant.
Coding change: c.2912G>C on transcript NM_020937.4 (MANE Select); coding-DNA position 2912, G replaced by C.
Protein change: p.Arg971Thr; replaces arginine 971 with threonine.
Molecular consequence: missense variant.
Genome position (GRCh38, 1-based): chr14:45,175,666, G>C. VCF-style: chr14-45175666-G-C. GRCh37 (hg19) VCF-style: chr14-45644869-G-C.
Other names: c.2834G>C, p.Arg945Thr (NM_001308133.2); short protein forms R945T, R971T.
Identifiers: ClinVar variation 3717875 (VCV003717875.2).